The following is an entry in ClinVar:

NM_000059.4(BRCA2):c.4826C>G (p.Thr1609Ser)

Gene: BRCA2 (BRCA2 DNA repair associated; plus strand). Cytogenetic location: 13q13.1.
Variant type: single nucleotide variant.
Coding change: c.4826C>G on transcript NM_000059.4 (MANE Select); coding-DNA position 4826, C replaced by G.
Protein change: p.Thr1609Ser; replaces threonine 1609 with serine.
Molecular consequence: missense variant. On other transcripts: non-coding transcript variant (1), intron variant (2).
Genome position (GRCh38, 1-based): chr13:32,339,181, C>G. VCF-style: chr13-32339181-C-G. GRCh37 (hg19) VCF-style: chr13-32913318-C-G.
Other names: c.4826C>G, p.Thr1609Ser (NM_001406719.1, NM_001406720.1); c.1910-5377C>G (NM_001406721.1); c.425-5377C>G (NM_001406722.1); short protein forms T1609S.
Identifiers: ClinVar variation 2683820 (VCV002683820.2), dbSNP rs1566231200, ClinGen allele CA387783308.

ClinVar aggregate classification (germline): Likely benign. Review status: criteria provided, single submitter (1 of 4 stars). 2 submissions from 2 submitters: Likely benign (1). 1 of the submissions does not count toward it. Last evaluated 2026-04-01.

Conditions:
Hereditary cancer-predisposing syndrome. Also called: Tumor predisposition; Hereditary neoplastic syndrome; Neoplastic Syndromes, Hereditary; Hereditary Cancer Syndrome. Identifiers: Orphanet 140162, MedGen C0027672, MeSH D009386, MONDO:0015356.
Breast-ovarian cancer, familial, susceptibility to, 2 (BROVCA2). Also called: BRCA2 Hereditary Breast and Ovarian Cancer. Identifiers: Orphanet 145, MedGen C2675520, MONDO:0012933, OMIM 612555. Disease mechanism: loss of function.

Submissions (2):

Ambry Genetics
Classification: Likely benign for Hereditary cancer-predisposing syndrome. Last evaluated: 2026-04-01. Review status: criteria provided, single submitter. Criteria: Ambry Variant Classification Scheme 2023. Collection method: clinical testing. Allele origin: germline.

Department of Medical and Surgical Sciences, University of Bologna
Classification: Likely benign for Breast-ovarian cancer, familial, susceptibility to, 2. Last evaluated: 2023-09-01. Review status: no assertion criteria provided. Collection method: clinical testing. Allele origin: germline. Affected: yes. Not counted in ClinVar's aggregate classification.
Comment: BP1(Strong) according to ACMG/AMP classification guidelines specified for BRCA1 & BRCA2 (Classification Criteria V1.0.0 2023-09-08) (PMID: 38160042)